The following is an entry in ClinVar:

NM_001130009.3(GEN1):c.2476A>G (p.Lys826Glu)

Gene: GEN1 (GEN1 structure-specific endonuclease; plus strand). Cytogenetic location: 2p24.2.
Variant type: single nucleotide variant.
Coding change: c.2476A>G on transcript NM_001130009.3 (MANE Select); coding-DNA position 2476, A replaced by G.
Protein change: p.Lys826Glu; replaces lysine 826 with glutamic acid.
Molecular consequence: missense variant.
Genome position (GRCh38, 1-based): chr2:17,781,688, A>G. VCF-style: chr2-17781688-A-G. GRCh37 (hg19) VCF-style: chr2-17962955-A-G.
Other names: c.2476A>G, p.Lys826Glu (NM_182625.5); short protein forms K826E.
Identifiers: ClinVar variation 5022318 (VCV005022318.1).

ClinVar aggregate classification (germline): Uncertain significance (1 of 4 stars; one submission).

gnomAD v4.1: 4 of 1,613,984 alleles (0.00025%); highest among the groups gnomAD compares: Non-Finnish European, 0.00034%; no homozygotes.

Submission:

Ambry Genetics
Classification: Uncertain significance. Last evaluated: 2026-08-02. Review status: criteria provided, single submitter. Criteria: Ambry Variant Classification Scheme 2023. Collection method: clinical testing. Allele origin: germline.
Comment: The p.K826E variant (also known as c.2476A>G), located in coding exon 13 of the GEN1 gene, results from an A to G substitution at nucleotide position 2476. The lysine at codon 826 is replaced by glutamic acid, an amino acid with similar properties. This amino acid position is conserved. In addition, this alteration is predicted to be tolerated by in silico analysis. Based on the available evidence, the clinical significance of this variant remains unclear.